The following is an entry in ClinVar:

NM_000143.4(FH):c.1434T>A (p.Asn478Lys)

Gene: FH (fumarate hydratase; minus strand). Cytogenetic location: 1q43.
Variant type: single nucleotide variant.
Coding change: c.1434T>A on transcript NM_000143.4 (MANE Select); coding-DNA position 1434, T replaced by A.
Protein change: p.Asn478Lys; replaces asparagine 478 with lysine.
Molecular consequence: missense variant.
Genome position (GRCh38, 1-based): chr1:241,497,927, A>T on the plus strand (T>A on the coding strand, the complement: FH is on the minus strand). VCF-style: chr1-241497927-A-T. GRCh37 (hg19) VCF-style: chr1-241661227-A-T.
Other names: short protein forms N478K.
Identifiers: ClinVar variation 647389 (VCV000647389.17), dbSNP rs786202199, ClinGen allele CA345450716.
Genomic context (GRCh38, chr1:241,497,927, plus strand): 5'-GTCAAACTGCTCTGCTGTGAGATAGCCAAGTTCGATAGCAGTTTCCTTTAAGGTTGATCC[A>T]TTTTTGTGTGCTGTCTTAGCAATCTTTGCTGCCTTGTCATACCCTGAAGAAAAAATAAAA-3'
Protein context (NP_000134.2, residues 468-488): AAKIAKTAHK[Asn478Lys]GSTLKETAIE

ClinVar aggregate classification (germline): Conflicting classifications of pathogenicity. Review status: criteria provided, conflicting classifications (1 of 4 stars). 4 submissions from 4 submitters: Uncertain significance (2); Likely benign (1). 1 of the submissions does not count toward it. Last evaluated 2026-02-04.

Conditions:
Fumarase deficiency (FMRD). Also called: Fumarate Hydratase Deficiency; Fumaric aciduria. Identifiers: Orphanet 24, MedGen C0342770, MONDO:0011730, OMIM 606812.
Hereditary cancer-predisposing syndrome. Also called: Hereditary Cancer Syndrome; Hereditary neoplastic syndrome; Tumor predisposition; Neoplastic Syndromes, Hereditary. Identifiers: Orphanet 140162, MedGen C0027672, MeSH D009386, MONDO:0015356.

gnomAD v4.1: 7 of 1,613,966 alleles (0.00043%); highest among the groups gnomAD compares: East Asian, 0.013%; no homozygotes.

Submissions (4):

Ambry Genetics
Classification: Likely benign for Hereditary cancer-predisposing syndrome. Last evaluated: 2026-02-04. Review status: criteria provided, single submitter. Criteria: Ambry Variant Classification Scheme 2023. Collection method: clinical testing. Allele origin: germline.

Labcorp Genetics (formerly Invitae), Labcorp
Classification: Uncertain significance. Last evaluated: 2025-07-08. Review status: criteria provided, single submitter. Criteria: Invitae Variant Classification Sherloc (09022015). Collection method: clinical testing. Allele origin: germline.
Comment: This sequence change replaces asparagine, which is neutral and polar, with lysine, which is basic and polar, at codon 478 of the FH protein (p.Asn478Lys). This variant is not present in population databases (gnomAD no frequency). This variant has not been reported in the literature in individuals affected with FH-related conditions. ClinVar contains an entry for this variant (Variation ID: 647389). Invitae Evidence Modeling of protein sequence and biophysical properties (such as structural, functional, and spatial information, amino acid conservation, physicochemical variation, residue mobility, and thermodynamic stability) indicates that this missense variant is not expected to disrupt FH protein function with a negative predictive value of 95%. In summary, the available evidence is currently insufficient to determine the role of this variant in disease. Therefore, it has been classified as a Variant of Uncertain Significance.

Dasa
Classification: Uncertain significance. Last evaluated: 2025-07-03. Review status: criteria provided, single submitter. Criteria: DASA Assertion Criteria. Collection method: clinical testing. Allele origin: germline.
Comment: NM_000143.4(FH):c.1434T>A (p.Asn478Lys) is a missense variant that results in the substitution of asparagine with lysine. This variant is rare in population databases. Computational prediction algorithms are consistent with a benign effect. The currently available literature and clinical evidence are not sufficient to establish a definitive association between this variant and the reported condition. Therefore, this variant is classified as a variant of uncertain significance.

Natera, Inc.
Classification: Uncertain significance for Fumarase Deficiency. Last evaluated: 2020-08-08. Review status: no assertion criteria provided. Collection method: clinical testing. Allele origin: germline. Not counted in ClinVar's aggregate classification.